The following is an entry in ClinVar:

ClinVar aggregate classification (germline): Uncertain significance (1 of 4 stars; one submission).

Allele frequency attached by ClinVar (database versions not stated): gnomAD exomes below 0.00001; gnomAD 0.00001.
gnomAD v4.1: 7 of 1,613,976 alleles (0.00043%); highest among the groups gnomAD compares: Non-Finnish European, 0.00059%; no homozygotes.

Submission:

Labcorp Genetics (formerly Invitae), Labcorp
Classification: Uncertain significance. Last evaluated: 2024-03-04. Review status: criteria provided, single submitter. Criteria: Invitae Variant Classification Sherloc (09022015). Collection method: clinical testing. Allele origin: germline.
Comment: This sequence change replaces glycine, which is neutral and non-polar, with alanine, which is neutral and non-polar, at codon 1429 of the DISP1 protein (p.Gly1429Ala). This variant is present in population databases (no rsID available, gnomAD 0.007%). This variant has not been reported in the literature in individuals affected with DISP1-related conditions. Algorithms developed to predict the effect of missense changes on protein structure and function output the following: SIFT: "Not Available"; PolyPhen-2: "Benign"; Align-GVGD: "Not Available". The alanine amino acid residue is found in multiple mammalian species, which suggests that this missense change does not adversely affect protein function. In summary, the available evidence is currently insufficient to determine the role of this variant in disease. Therefore, it has been classified as a Variant of Uncertain Significance.

NM_001377229.1(DISP1):c.4286G>C (p.Gly1429Ala)

Gene: DISP1 (dispatched RND transporter family member 1; plus strand). Cytogenetic location: 1q41.
Variant type: single nucleotide variant.
Coding change: c.4286G>C on transcript NM_001377229.1 (MANE Select); coding-DNA position 4286, G replaced by C.
Protein change: p.Gly1429Ala; replaces glycine 1429 with alanine.
Molecular consequence: missense variant.
Genome position (GRCh38, 1-based): chr1:223,005,683, G>C. VCF-style: chr1-223005683-G-C. GRCh37 (hg19) VCF-style: chr1-223179025-G-C.
Other names: c.3557G>C, p.Gly1186Ala (NM_001350630.2); c.4286G>C, p.Gly1429Ala (NM_001369594.1, NM_001377228.1, NM_032890.5); short protein forms G1186A, G1429A.
Identifiers: ClinVar variation 2973919 (VCV002973919.3), dbSNP rs1180963823, ClinGen allele CA344694157.